The following is an entry in ClinVar:

NM_000352.6(ABCC8):c.307C>T (p.His103Tyr)

Gene: ABCC8 (ATP binding cassette subfamily C member 8; minus strand). Cytogenetic location: 11p15.1.
Variant type: single nucleotide variant.
Coding change: c.307C>T on transcript NM_000352.6 (MANE Select); coding-DNA position 307, C replaced by T.
Protein change: p.His103Tyr; replaces histidine 103 with tyrosine.
Molecular consequence: missense variant. On other transcripts: non-coding transcript variant (1).
Genome position (GRCh38, 1-based): chr11:17,470,206, G>A on the plus strand (C>T on the coding strand, the complement: ABCC8 is on the minus strand). VCF-style: chr11-17470206-G-A. GRCh37 (hg19) VCF-style: chr11-17491753-G-A.
Other names: c.307C>T, p.His103Tyr (NM_001287174.3, NM_001351295.2, NM_001351296.2 and 1 more transcripts); short protein forms H103Y.
Identifiers: ClinVar variation 554321 (VCV000554321.4), dbSNP rs751209734, ClinGen allele CA5903910.

ClinVar aggregate classification (germline): Uncertain significance. Review status: criteria provided, multiple submitters, no conflicts (2 of 4 stars). 3 submissions from 3 submitters: Uncertain significance (2). 1 of the submissions does not count toward it. Last evaluated 2026-02-03.

Conditions:
Hyperinsulinemic hypoglycemia, familial, 1 (HHF1). Also called: Persistent hyperinsulinemic hypoglycemia of infancy; Persistent Hyperinsulinemia Hypoglycemia of Infancy; NESIDIOBLASTOSIS OF PANCREAS; HYPERINSULINISM, FAMILIAL, WITH PANCREATIC NESIDIOBLASTOSIS; HYPOGLYCEMIA, HYPERINSULINEMIC, OF INFANCY. Identifiers: Orphanet 276575, Orphanet 276598, MedGen C2931832, MONDO:0009734, OMIM 256450.

Allele frequency attached by ClinVar (database versions not stated): gnomAD 0.00001; gnomAD exomes 0.00004; ExAC 0.00005; TOPMed 0.00001.
gnomAD v4.1: 24 of 1,614,036 alleles (0.0015%); highest among the groups gnomAD compares: East Asian, 0.051%; no homozygotes.

Submissions (3):

GeneDx
Classification: Uncertain significance. Last evaluated: 2026-02-03. Review status: criteria provided, single submitter. Criteria: GeneDx Variant Classification Process June 2021. Collection method: clinical testing. Allele origin: germline.
Comment: Reported with a second variant in the ABCC8 gene in probands with an ABCC8-related phenotype; segregation information was not provided in some cases (PMID: 27810688, 38225536); Identified in a patient with early-onset diabetes who also harbored a variant in the PDX1 gene (PMID: 34135026); Reported as a heterozygous variant in a patient with idiopathic pulmonary arterial hypertension; however, additional evidence is needed to explore the possible link between variants in ABCC8 and pulmonary arterial hypertension (PMID: 31727138); Published functional studies suggest this variant disrupts KAPT channel activity, however additional studies are needed (PMID: 38225536); In silico analysis supports that this missense variant has a deleterious effect on protein structure/function; This variant is associated with the following publications: (PMID: 38225536, 31727138, 34631896, 39859454, 34135026, 27810688)

Women's Health and Genetics/Laboratory Corporation of America, LabCorp
Classification: Uncertain significance. Last evaluated: 2024-07-31. Review status: criteria provided, single submitter. Criteria: LabCorp Variant Classification Summary - May 2015. Collection method: clinical testing. Allele origin: germline.
Comment: Variant summary: ABCC8 c.307C>T (p.His103Tyr) results in a conservative amino acid change in the encoded protein sequence. Three of five in-silico tools predict a damaging effect of the variant on protein function. The variant allele was found at a frequency of 3.6e-05 in 251352 control chromosomes, predominantly at a frequency of 0.00049 within the East Asian subpopulation in the gnomAD database. The available data on variant occurrences in the general population are insufficient to allow any conclusion about variant significance. c.307C>T has been reported in the literature in individuals affected with Diabetes and Pulmonary arterial hypertension (Kwak_2016, Zhu_2019, Lee_2021). These data do not allow any conclusion about variant significance. To our knowledge, no experimental evidence demonstrating an impact on protein function has been reported. The following publications have been ascertained in the context of this evaluation (PMID: 27810688, 34135026, 31727138). ClinVar contains an entry for this variant (Variation ID: 554321). Based on the evidence outlined above, the variant was classified as uncertain significance.

Counsyl
Classification: Uncertain significance for Hyperinsulinemic hypoglycemia, familial, 1. Last evaluated: 2017-10-16. Review status: no assertion criteria provided. Collection method: clinical testing. Allele origin: unknown. Not counted in ClinVar's aggregate classification.

Literature cited by the submitters: PubMed 27810688 (cited by Women's Health and Genetics/Laboratory Corporation of America, LabCorp and Counsyl); PubMed 34135026 (cited by Women's Health and Genetics/Laboratory Corporation of America, LabCorp); PubMed 31727138 (cited by Women's Health and Genetics/Laboratory Corporation of America, LabCorp).